The following is an entry in ClinVar:

NM_001077365.2(POMT1):c.2061G>A (p.Ala687=)

Gene: POMT1 (protein O-mannosyltransferase 1; plus strand). Cytogenetic location: 9q34.13.
Variant type: single nucleotide variant.
Coding change: c.2061G>A on transcript NM_001077365.2 (MANE Select); coding-DNA position 2061, G replaced by A.
Protein change: p.Ala687=; no amino-acid change (alanine 687 retained).
Molecular consequence: synonymous variant. On other transcripts: non-coding transcript variant (10).
Genome position (GRCh38, 1-based): chr9:131,522,989, G>A. VCF-style: chr9-131522989-G-A. GRCh37 (hg19) VCF-style: chr9-134398376-G-A.
Other names: c.2127G>A (NM_007171.3); c.1899G>A, p.Ala633= (NM_001077366.2, NM_001353194.2); c.2061G>A, p.Ala687= (NM_001136113.2); c.1710G>A, p.Ala570= (NM_001136114.2, NM_001353195.2, NM_001374691.1 and 2 more transcripts); c.2127G>A, p.Ala709= (NM_001353193.2, NM_007171.4); c.1971G>A, p.Ala657= (NM_001353196.2); c.1965G>A, p.Ala655= (NM_001353197.2, NM_001353198.2); c.1776G>A, p.Ala592= (NM_001353199.2); and 4 more.
Identifiers: ClinVar variation 593660 (VCV000593660.17), dbSNP rs200916353, ClinGen allele CA5293925.

ClinVar aggregate classification (germline): Conflicting classifications of pathogenicity. Review status: criteria provided, conflicting classifications (1 of 4 stars). 5 submissions from 5 submitters: Uncertain significance (1); Likely benign (3). 1 of the submissions does not count toward it. Last evaluated 2025-11-11.

Conditions:
POMT1-related disorder. Also called: POMT1-related disorders; POMT1-related condition.
Muscular dystrophy-dystroglycanopathy (congenital with impaired intellectual development), type B, 1. Also called: Muscular dystrophy-dystroglycanopathy (congenital with intellectual disability), type B1; MUSCULAR DYSTROPHY, CONGENITAL, POMT1-RELATED. Identifiers: MedGen C5436962, MONDO:0013159, OMIM 613155.
Autosomal recessive limb-girdle muscular dystrophy type 2K. Also called: MUSCULAR DYSTROPHY-DYSTROGLYCANOPATHY (LIMB-GIRDLE), TYPE C, 1; MUSCULAR DYSTROPHY, LIMB-GIRDLE, TYPE 2K. Identifiers: Orphanet 86812, MedGen C1836373, MONDO:0012248, OMIM 609308.
Walker-Warburg congenital muscular dystrophy. Also called: Muscular dystrophy-dystroglycanopathy, type A; Walker-Warburg syndrome. Identifiers: Orphanet 899, MedGen C0265221, MONDO:0000171.

Allele frequency attached by ClinVar (database versions not stated): ExAC 0.00007; 1000 Genomes Project 0.00060; TOPMed 0.00007; gnomAD exomes 0.00002; gnomAD 0.00013 and 0.00011; 1000 Genomes Project 30x 0.00078.
gnomAD v4.1: 47 of 1,606,914 alleles (0.0029%); highest among the groups gnomAD compares: Admixed American, 0.025%; no homozygotes.

Submissions (5):

Labcorp Genetics (formerly Invitae), Labcorp
Classification: Likely benign for Muscular dystrophy-dystroglycanopathy (congenital with impaired intellectual development), type B, 1; Walker-Warburg congenital muscular dystrophy; Autosomal recessive limb-girdle muscular dystrophy type 2K. Last evaluated: 2025-11-11. Review status: criteria provided, single submitter. Criteria: Invitae Variant Classification Sherloc (09022015). Collection method: clinical testing. Allele origin: germline.

Athena Diagnostics
Classification: Likely benign. Last evaluated: 2024-05-23. Review status: criteria provided, single submitter. Criteria: Athena Diagnostics Criteria. Collection method: clinical testing. Allele origin: unknown.

Blueprint Genetics
Classification: Likely benign. Last evaluated: 2023-06-14. Review status: criteria provided, single submitter. Criteria: ACMG Guidelines, 2015. Collection method: clinical testing. Allele origin: germline.

Eurofins Ntd Llc (ga)
Classification: Uncertain significance. Last evaluated: 2017-08-22. Review status: criteria provided, single submitter. Criteria: EGL Classification Definitions 2015. Collection method: clinical testing. Allele origin: germline. Observed: 2 variant alleles, 2 heterozygotes.

PreventionGenetics, part of Exact Sciences
Classification: Likely benign for POMT1-related condition. Last evaluated: 2022-06-21. Review status: no assertion criteria provided. Collection method: clinical testing. Allele origin: germline. Not counted in ClinVar's aggregate classification.
Comment: This variant is classified as likely benign based on ACMG/AMP sequence variant interpretation guidelines (Richards et al. 2015 PMID: 25741868, with internal and published modifications).